The following is an entry in ClinVar:

ClinVar aggregate classification (germline): Uncertain significance (1 of 4 stars; one submission).

Conditions:
PKHD1-related disorder. Also called: PKHD1-related condition.

gnomAD v4.1: 19 of 1,610,632 alleles (0.0012%); highest among the groups gnomAD compares: Middle Eastern, 0.016%; no homozygotes.

Submission:

PreventionGenetics, part of Exact Sciences
Classification: Uncertain significance for PKHD1-related condition. Last evaluated: 2025-01-02. Review status: criteria provided, single submitter. Criteria: ACMG Guidelines, 2015. Collection method: clinical testing. Allele origin: germline.
Comment: The PKHD1 c.11191A>G variant is predicted to result in the amino acid substitution p.Lys3731Glu. To our knowledge, this variant has not been reported in the literature. This variant is reported in 0.0044% of alleles in individuals of European (Non-Finnish) descent in gnomAD. At this time, the clinical significance of this variant is uncertain due to the absence of conclusive functional and genetic evidence.

NM_138694.4(PKHD1):c.11191A>G (p.Lys3731Glu)

Gene: PKHD1 (PKHD1 ciliary IPT domain containing fibrocystin/polyductin; minus strand). Cytogenetic location: 6p12.3.
Variant type: single nucleotide variant.
Coding change: c.11191A>G on transcript NM_138694.4 (MANE Select); coding-DNA position 11191, A replaced by G.
Protein change: p.Lys3731Glu; replaces lysine 3731 with glutamic acid.
Molecular consequence: missense variant.
Genome position (GRCh38, 1-based): chr6:51,649,204, T>C on the plus strand (A>G on the coding strand, the complement: PKHD1 is on the minus strand). VCF-style: chr6-51649204-T-C. GRCh37 (hg19) VCF-style: chr6-51514002-T-C.
Other names: short protein forms K3731E.
Identifiers: ClinVar variation 4983001 (VCV004983001.1).